The following is an entry in ClinVar:

ClinVar aggregate classification (germline): Uncertain significance (1 of 4 stars; one submission).

gnomAD v4.1: 45 of 1,613,964 alleles (0.0028%); highest among the groups gnomAD compares: South Asian, 0.0077%; no homozygotes.

Submission:

Labcorp Genetics (formerly Invitae), Labcorp
Classification: Uncertain significance. Last evaluated: 2025-12-11. Review status: criteria provided, single submitter. Criteria: Invitae Variant Classification Sherloc (09022015). Collection method: clinical testing. Allele origin: germline.
Comment: This sequence change replaces threonine, which is neutral and polar, with methionine, which is neutral and non-polar, at codon 380 of the CSF2RB protein (p.Thr380Met). This variant is present in population databases (rs772296886, gnomAD 0.01%). This variant has not been reported in the literature in individuals affected with CSF2RB-related conditions. ClinVar contains an entry for this variant (Variation ID: 3609093). Invitae Evidence Modeling of protein sequence and biophysical properties (such as structural, functional, and spatial information, amino acid conservation, physicochemical variation, residue mobility, and thermodynamic stability) indicates that this missense variant is not expected to disrupt CSF2RB protein function with a negative predictive value of 80%. In summary, the available evidence is currently insufficient to determine the role of this variant in disease. Therefore, it has been classified as a Variant of Uncertain Significance.

NM_000395.3(CSF2RB):c.1139C>T (p.Thr380Met)

Gene: CSF2RB (colony stimulating factor 2 receptor subunit beta; plus strand). Cytogenetic location: 22q12.3.
Variant type: single nucleotide variant.
Coding change: c.1139C>T on transcript NM_000395.3 (MANE Select); coding-DNA position 1139, C replaced by T.
Protein change: p.Thr380Met; replaces threonine 380 with methionine.
Molecular consequence: missense variant.
Genome position (GRCh38, 1-based): chr22:36,932,891, C>T. VCF-style: chr22-36932891-C-T. GRCh37 (hg19) VCF-style: chr22-37328933-C-T.
Other names: c.1157C>T, p.Thr386Met (NM_001410827.1); short protein forms T380M, T386M.
Identifiers: ClinVar variation 3609093 (VCV003609093.2).